The following is an entry in ClinVar:

ClinVar aggregate classification (germline): Uncertain significance (1 of 4 stars; one submission).

Conditions:
EPILEPSY, CHILDHOOD ABSENCE, SUSCEPTIBILITY TO, 2 (ECA2). Identifiers: Orphanet 64280, MedGen C1843244, OMIM 607681.
Febrile seizures, familial, 8 (FEB8). Also called: CONVULSIONS, FAMILIAL FEBRILE, 8. Identifiers: Orphanet 36387, MedGen C1969810, MONDO:0011891, OMIM 607681.

gnomAD v4.1: 3 of 1,590,388 alleles (0.00019%); highest among the groups gnomAD compares: African/African-American, 0.0027%; no homozygotes.

Submission:

Labcorp Genetics (formerly Invitae), Labcorp
Classification: Uncertain significance for Febrile seizures, familial, 8; EPILEPSY, CHILDHOOD ABSENCE, SUSCEPTIBILITY TO, 2. Last evaluated: 2025-12-19. Review status: criteria provided, single submitter. Criteria: Invitae Variant Classification Sherloc (09022015). Collection method: clinical testing. Allele origin: germline.
Comment: This sequence change affects codon 210 of the GABRG2 mRNA. It is a 'silent' change, meaning that it does not change the encoded amino acid sequence of the GABRG2 protein. It affects a nucleotide within the consensus splice site. This variant is not present in population databases (gnomAD no frequency). This variant has not been reported in the literature in individuals affected with GABRG2-related conditions. Algorithms developed to predict the effect of sequence changes on RNA splicing suggest that this variant is not likely to affect RNA splicing. In summary, the available evidence is currently insufficient to determine the role of this variant in disease. Therefore, it has been classified as a Variant of Uncertain Significance.

NM_198904.4(GABRG2):c.630T>C (p.Ser210=)

Gene: GABRG2 (gamma-aminobutyric acid type A receptor subunit gamma2; plus strand). Cytogenetic location: 5q34.
Variant type: single nucleotide variant.
Coding change: c.630T>C on transcript NM_198904.4 (MANE Select); coding-DNA position 630, T replaced by C.
Protein change: p.Ser210=; no amino-acid change (serine 210 retained).
Molecular consequence: synonymous variant.
Genome position (GRCh38, 1-based): chr5:162,101,316, T>C. VCF-style: chr5-162101316-T-C. GRCh37 (hg19) VCF-style: chr5-161528322-T-C.
Other names: c.630T>C, p.Ser210= (NM_000816.3, NM_001375340.1, NM_001375341.1 and 4 more transcripts); c.621T>C, p.Ser207= (NM_001375339.1); c.564T>C, p.Ser188= (NM_001375345.1, NM_001375346.1); c.543T>C, p.Ser181= (NM_001375347.1); c.210T>C, p.Ser70= (NM_001375348.1, NM_001375350.1); c.345T>C, p.Ser115= (NM_001375349.1).
Identifiers: ClinVar variation 4793948 (VCV004793948.1).